The following is an entry in ClinVar:

ClinVar aggregate classification (germline): Conflicting classifications of pathogenicity. Review status: criteria provided, conflicting classifications (1 of 4 stars). 4 submissions from 4 submitters: Uncertain significance (1); Benign (1); Likely benign (1). 1 of the submissions does not count toward it. Last evaluated 2025-09-07.

Conditions:
Inborn genetic diseases. Identifiers: MedGen C0950123, MeSH D030342.
PKD1L1-related disorder. Also called: PKD1L1-related condition.

Allele frequency attached by ClinVar (database versions not stated): gnomAD exomes 0.00015; ExAC 0.00045; 1000 Genomes Project 0.00080; 1000 Genomes Project 30x 0.00109; gnomAD 0.00118; TOPMed 0.00145; ESP Exome Variant Server 0.00169.
gnomAD v4.1: 423 of 1,614,208 alleles (0.026%); highest among the groups gnomAD compares: African/African-American, 0.41%; 2 homozygotes.

Submissions (4):

Labcorp Genetics (formerly Invitae), Labcorp
Classification: Benign. Last evaluated: 2025-09-07. Review status: criteria provided, single submitter. Criteria: Invitae Variant Classification Sherloc (09022015). Collection method: clinical testing. Allele origin: germline.

Blueprint Genetics
Classification: Likely benign. Last evaluated: 2024-11-01. Review status: criteria provided, single submitter. Criteria: ACMG Guidelines, 2015. Collection method: clinical testing. Allele origin: germline.

Ambry Genetics
Classification: Uncertain significance for Inborn genetic diseases. Last evaluated: 2021-10-06. Review status: criteria provided, single submitter. Criteria: Ambry Variant Classification Scheme 2023. Collection method: clinical testing. Allele origin: germline.

PreventionGenetics, part of Exact Sciences
Classification: Likely benign for PKD1L1-related condition. Last evaluated: 2021-01-11. Review status: no assertion criteria provided. Collection method: clinical testing. Allele origin: germline. Not counted in ClinVar's aggregate classification.
Comment: This variant is classified as likely benign based on ACMG/AMP sequence variant interpretation guidelines (Richards et al. 2015 PMID: 25741868, with internal and published modifications).

NM_138295.5(PKD1L1):c.631G>A (p.Gly211Arg)

Gene: PKD1L1 (polycystin 1 like 1, transient receptor potential channel interacting; minus strand). Cytogenetic location: 7p12.3.
Variant type: single nucleotide variant.
Coding change: c.631G>A on transcript NM_138295.5 (MANE Select); coding-DNA position 631, G replaced by A.
Protein change: p.Gly211Arg; replaces glycine 211 with arginine.
Molecular consequence: missense variant.
Genome position (GRCh38, 1-based): chr7:47,931,210, C>T on the plus strand (G>A on the coding strand, the complement: PKD1L1 is on the minus strand). VCF-style: chr7-47931210-C-T. GRCh37 (hg19) VCF-style: chr7-47970807-C-T.
Other names: short protein forms G211R.
Identifiers: ClinVar variation 2063953 (VCV002063953.8), dbSNP rs139651403, ClinGen allele CA4254292.